The following is an entry in ClinVar:

ClinVar aggregate classification (germline): Uncertain significance. Review status: criteria provided, multiple submitters, no conflicts (2 of 4 stars). 2 submissions from 2 submitters: Uncertain significance (2). Last evaluated 2025-12-11.

Conditions:
Familial hemophagocytic lymphohistiocytosis 5. Also called: STXBP2-Related Familial Hemophagocytic Lymphohistiocytosis (STXBP2-fHLH). Identifiers: Orphanet 540, MedGen C2751293, MONDO:0013135, OMIM 613101.
Inborn genetic diseases. Identifiers: MedGen C0950123, MeSH D030342.

Allele frequency attached by ClinVar (database versions not stated): gnomAD exomes 0.00001; gnomAD 0.00006; TOPMed 0.00019.

Submissions (2):

Ambry Genetics
Classification: Uncertain significance for Inborn genetic diseases. Last evaluated: 2025-12-11. Review status: criteria provided, single submitter. Criteria: Ambry Variant Classification Scheme 2023. Collection method: clinical testing. Allele origin: germline.

Labcorp Genetics (formerly Invitae), Labcorp
Classification: Uncertain significance for Familial hemophagocytic lymphohistiocytosis 5. Last evaluated: 2022-08-31. Review status: criteria provided, single submitter. Criteria: Invitae Variant Classification Sherloc (09022015). Collection method: clinical testing. Allele origin: germline.
Comment: This sequence change replaces leucine, which is neutral and non-polar, with valine, which is neutral and non-polar, at codon 172 of the STXBP2 protein (p.Leu172Val). The frequency data for this variant in the population databases is considered unreliable, as metrics indicate poor data quality at this position in the gnomAD database. This variant has not been reported in the literature in individuals affected with STXBP2-related conditions. ClinVar contains an entry for this variant (Variation ID: 972375). Algorithms developed to predict the effect of missense changes on protein structure and function (SIFT, PolyPhen-2, Align-GVGD) all suggest that this variant is likely to be tolerated. In summary, the available evidence is currently insufficient to determine the role of this variant in disease. Therefore, it has been classified as a Variant of Uncertain Significance.

NM_006949.4(STXBP2):c.514C>G (p.Leu172Val)

Gene: STXBP2 (syntaxin binding protein 2; plus strand). Cytogenetic location: 19p13.2.
Variant type: single nucleotide variant.
Coding change: c.514C>G on transcript NM_006949.4 (MANE Select); coding-DNA position 514, C replaced by G.
Protein change: p.Leu172Val; replaces leucine 172 with valine.
Molecular consequence: missense variant. On other transcripts: non-coding transcript variant (1).
Genome position (GRCh38, 1-based): chr19:7,641,789, C>G. VCF-style: chr19-7641789-C-G. GRCh37 (hg19) VCF-style: chr19-7706675-C-G.
Other names: c.505C>G, p.Leu169Val (NM_001127396.3); c.547C>G, p.Leu183Val (NM_001272034.2); c.514C>G (NM_006949.2); short protein forms L172V, L183V, L169V.
Identifiers: ClinVar variation 972375 (VCV000972375.7), dbSNP rs905210837, ClinGen allele CA304906950.
Genomic context (GRCh38, chr19:7,641,789, plus strand): 5'-AGCACCTACAACCTCTACTGCCCCTTCCGGGCAGAGGAGCGCACGCGGCAGCTCGAGGTG[C>G]TGGCCCAGCAGATTGCCACGCTGTGCGCCACCCTGCAGGAGTACCCGGCCATCCGCTACC-3'
Protein context (NP_008880.2, residues 162-182): AEERTRQLEV[Leu172Val]AQQIATLCAT